The following is an entry in ClinVar:

ClinVar aggregate classification (germline): Uncertain significance (1 of 4 stars; one submission).

Conditions:
Candidiasis, familial, 9 (CANDF9). Identifiers: Orphanet 1334, MedGen C4225324, MONDO:0014642, OMIM 616445.

Submission:

Labcorp Genetics (formerly Invitae), Labcorp
Classification: Uncertain significance for Candidiasis, familial, 9. Last evaluated: 2025-08-06. Review status: criteria provided, single submitter. Criteria: Invitae Variant Classification Sherloc (09022015). Collection method: clinical testing. Allele origin: germline.
Comment: This sequence change replaces threonine, which is neutral and polar, with isoleucine, which is neutral and non-polar, at codon 720 of the IL17RC protein (p.Thr720Ile). This variant is not present in population databases (gnomAD no frequency). This variant has not been reported in the literature in individuals affected with IL17RC-related conditions. An algorithm developed to predict the effect of missense changes on protein structure and function (PolyPhen-2) suggests that this variant is likely to be tolerated. In summary, the available evidence is currently insufficient to determine the role of this variant in disease. Therefore, it has been classified as a Variant of Uncertain Significance.

NM_153460.4(IL17RC):c.1946C>T (p.Thr649Ile)

Gene: IL17RC (interleukin 17 receptor C; plus strand). Cytogenetic location: 3p25.3.
Variant type: single nucleotide variant.
Coding change: c.1946C>T on transcript NM_153460.4 (MANE Select); coding-DNA position 1946, C replaced by T.
Protein change: p.Thr649Ile; replaces threonine 649 with isoleucine.
Molecular consequence: missense variant. On other transcripts: non-coding transcript variant (1).
Genome position (GRCh38, 1-based): chr3:9,933,376, C>T. VCF-style: chr3-9933376-C-T. GRCh37 (hg19) VCF-style: chr3-9975060-C-T.
Other names: c.1907C>T, p.Thr636Ile (NM_001203263.2); c.1856C>T, p.Thr619Ile (NM_001203264.2); c.1850C>T, p.Thr617Ile (NM_001203265.2); c.1868C>T, p.Thr623Ile (NM_001367278.1); c.1787C>T, p.Thr596Ile (NM_001367279.1); c.1862C>T, p.Thr621Ile (NM_001367280.1); c.1811C>T, p.Thr604Ile (NM_001410711.1); c.1901C>T, p.Thr634Ile (NM_032732.6); and 1 more; short protein forms T617I, T619I, T596I, T636I, T604I, T623I, T634I, T720I.
Identifiers: ClinVar variation 4769213 (VCV004769213.1).